The following is an entry in ClinVar:

ClinVar aggregate classification (germline): Uncertain significance. Review status: criteria provided, multiple submitters, no conflicts (2 of 4 stars). 2 submissions from 2 submitters: Uncertain significance (2). Last evaluated 2022-10-24.

Allele frequency attached by ClinVar (database versions not stated): ExAC 0.00001; gnomAD exomes 0.00001.
gnomAD v4.1: 16 of 1,613,052 alleles (0.00099%); highest among the groups gnomAD compares: African/African-American, 0.0027%; no homozygotes.

Submissions (2):

Labcorp Genetics (formerly Invitae), Labcorp
Classification: Uncertain significance. Last evaluated: 2022-10-24. Review status: criteria provided, single submitter. Criteria: Invitae Variant Classification Sherloc (09022015). Collection method: clinical testing. Allele origin: germline.
Comment: This sequence change replaces valine, which is neutral and non-polar, with methionine, which is neutral and non-polar, at codon 760 of the RBP3 protein (p.Val760Met). This variant is present in population databases (rs782109249, gnomAD 0.003%). This variant has not been reported in the literature in individuals affected with RBP3-related conditions. ClinVar contains an entry for this variant (Variation ID: 1017188). Algorithms developed to predict the effect of missense changes on protein structure and function are either unavailable or do not agree on the potential impact of this missense change (SIFT: "Deleterious"; PolyPhen-2: "Benign"; Align-GVGD: "Class C0"). In summary, the available evidence is currently insufficient to determine the role of this variant in disease. Therefore, it has been classified as a Variant of Uncertain Significance.

Blueprint Genetics
Classification: Uncertain significance. Last evaluated: 2022-08-30. Review status: criteria provided, single submitter. Criteria: ACMG Guidelines, 2015. Collection method: clinical testing. Allele origin: germline.

NM_002900.3(RBP3):c.2278G>A (p.Val760Met)

Gene: RBP3 (retinol binding protein 3; plus strand). Cytogenetic location: 10q11.22.
Variant type: single nucleotide variant.
Coding change: c.2278G>A on transcript NM_002900.3 (MANE Select); coding-DNA position 2278, G replaced by A.
Protein change: p.Val760Met; replaces valine 760 with methionine.
Molecular consequence: missense variant.
Genome position (GRCh38, 1-based): chr10:47,350,762, G>A. VCF-style: chr10-47350762-G-A. GRCh37 (hg19) VCF-style: chr10-48388600-C-T.
Other names: short protein forms V760M.
Identifiers: ClinVar variation 1017188 (VCV001017188.7), dbSNP rs782109249, ClinGen allele CA5487319.
Genomic context (GRCh38, chr10:47,350,762, plus strand): 5'-CCCGGCCAGCTGGGCTACCTGCGTTTTGACGCCATGGCTGAACTGGAGACAGTGAAGGCC[G>A]TGGGGCCACAGCTGGTGCGGCTGGTATGGCAACAGCTGGTGGACACGGCTGCGCTGGTGA-3'
Protein context (NP_002891.1, residues 750-770): AMAELETVKA[Val760Met]GPQLVRLVWQ